The following is an entry in ClinVar:

ClinVar aggregate classification (germline): Uncertain significance (1 of 4 stars; one submission).

Submission:

Ambry Genetics
Classification: Uncertain significance. Last evaluated: 2022-07-11. Review status: criteria provided, single submitter. Criteria: Ambry Variant Classification Scheme 2023. Collection method: clinical testing. Allele origin: germline.
Comment: The p.E145Q variant (also known as c.433G>C), located in coding exon 4 of the RECQL gene, results from a G to C substitution at nucleotide position 433. The glutamic acid at codon 145 is replaced by glutamine, an amino acid with highly similar properties. This amino acid position is conserved. In addition, this alteration is predicted to be tolerated by in silico analysis. Since supporting evidence is limited at this time, the clinical significance of this alteration remains unclear.

NM_002907.4(RECQL):c.433G>C (p.Glu145Gln)

Gene: RECQL (RecQ like helicase; minus strand). Cytogenetic location: 12p12.1.
Variant type: single nucleotide variant.
Coding change: c.433G>C on transcript NM_002907.4 (MANE Select); coding-DNA position 433, G replaced by C.
Protein change: p.Glu145Gln; replaces glutamic acid 145 with glutamine.
Molecular consequence: missense variant.
Genome position (GRCh38, 1-based): chr12:21,486,547, C>G on the plus strand (G>C on the coding strand, the complement: RECQL is on the minus strand). VCF-style: chr12-21486547-C-G. GRCh37 (hg19) VCF-style: chr12-21639481-C-G.
Other names: c.433G>C, p.Glu145Gln (NM_032941.3); short protein forms E145Q.
Identifiers: ClinVar variation 1739854 (VCV001739854.2), dbSNP rs1347153563, ClinGen allele CA384130233.